The following is an entry in ClinVar:

ClinVar aggregate classification (germline): Uncertain significance (1 of 4 stars; one submission).

gnomAD v4.1: 3 of 1,464,104 alleles (0.0002%); highest among the groups gnomAD compares: South Asian, 0.0014%; no homozygotes.

Submission:

Labcorp Genetics (formerly Invitae), Labcorp
Classification: Uncertain significance. Last evaluated: 2024-10-06. Review status: criteria provided, single submitter. Criteria: Invitae Variant Classification Sherloc (09022015). Collection method: clinical testing. Allele origin: germline.
Comment: This sequence change affects codon 297 of the ERBIN mRNA. It is a 'silent' change, meaning that it does not change the encoded amino acid sequence of the ERBIN protein. It affects a nucleotide within the consensus splice site. This variant is present in population databases (no rsID available, gnomAD 0.007%). This variant has not been reported in the literature in individuals affected with ERBIN-related conditions. Algorithms developed to predict the effect of sequence changes on RNA splicing suggest that this variant is not likely to affect RNA splicing. In summary, the available evidence is currently insufficient to determine the role of this variant in disease. Therefore, it has been classified as a Variant of Uncertain Significance.

NM_001253697.2(ERBIN):c.891G>A (p.Gly297=)

Gene: ERBIN (erbb2 interacting protein; plus strand). Cytogenetic location: 5q12.3.
Variant type: single nucleotide variant.
Coding change: c.891G>A on transcript NM_001253697.2 (MANE Select); coding-DNA position 891, G replaced by A.
Protein change: p.Gly297=; no amino-acid change (glycine 297 retained).
Molecular consequence: synonymous variant.
Genome position (GRCh38, 1-based): chr5:66,025,848, G>A. VCF-style: chr5-66025848-G-A. GRCh37 (hg19) VCF-style: chr5-65321676-G-A.
Other names: c.891G>A, p.Gly297= (NM_001006600.3, NM_001253698.2, NM_001253699.2 and 2 more transcripts).
Identifiers: ClinVar variation 3640078 (VCV003640078.2).
Genomic context (GRCh38, chr5:66,025,848, plus strand): 5'-TTTGGATTATATATAGGAAATCTTTAACAAATAATATATATTTCTTTTTTTAAATTAAAG[G>A]TTAATATCAGTAGAAGAACTGGATTGTAGTTTCAATGAAGTTGAAGCTTTGCCTTCATCT-3'
Protein context (NP_001240626.1, residues 287-307): QLMYLPDSIG[Gly297=]LISVEELDCS